The following is an entry in ClinVar:

ClinVar aggregate classification (germline): Pathogenic (1 of 4 stars; one submission).

Conditions:
Hereditary nonpolyposis colon cancer (HNPCC). Also called: Hereditary nonpolyposis colorectal cancer; Familial nonpolyposis colon cancer; Hereditary Nonpolyposis Colorectal Cancer Syndrome. Identifiers: Orphanet 443909, MedGen C1333990, MONDO:0018630. Disease mechanism: loss of function.

Submission:

Women's Health and Genetics/Laboratory Corporation of America, LabCorp
Classification: Pathogenic for Hereditary nonpolyposis colon cancer. Last evaluated: 2021-02-11. Review status: criteria provided, single submitter. Criteria: LabCorp Variant Classification Summary - May 2015. Collection method: clinical testing. Allele origin: germline.
Comment: Variant summary: The variant identified by MLPA or other technology involves the deletion of exons 3-9 in the MSH6 gene. A presumed nomenclature of c.(457+1_458-1)_(4001+1_4002-1)del has been designated for the purposes of this classification. Although exact breakpoints of this deletion are not known, it is expected to result in a large deletion in the MSH6 gene, a known mechanism of disease. The variant was absent in 21572 control chromosomes (gnomAD, Structural Variants dataset). Deletion of exons 3-9 has been reported in the literature in at least one individual affected with breast cancer (Tung_2016). To our knowledge, no experimental evidence demonstrating an impact on protein function has been reported. One ClinVar submitter (evaluation after 2014) cite the variant as pathogenic. Based on the evidence outlined above, the variant was classified as pathogenic.

Literature cited by the submitters: PubMed 26976419.

NC_000002.11:g.(48018263_48023032)_(48033791_48033917)del

Gene: MSH6 (mutS homolog 6; plus strand). Cytogenetic location: 2p16.3.
Variant type: Deletion.
Identifiers: ClinVar variation 997913 (VCV000997913.1).